The following is an entry in ClinVar:

NM_004036.5(ADCY3):c.237G>C (p.Leu79=)

Gene: ADCY3 (adenylate cyclase 3; minus strand). Cytogenetic location: 2p23.3.
Variant type: single nucleotide variant.
Coding change: c.237G>C on transcript NM_004036.5 (MANE Select); coding-DNA position 237, G replaced by C.
Protein change: p.Leu79=; no amino-acid change (leucine 79 retained).
Molecular consequence: synonymous variant.
Genome position (GRCh38, 1-based): chr2:24,918,751, C>G on the plus strand (G>C on the coding strand, the complement: ADCY3 is on the minus strand). VCF-style: chr2-24918751-C-G. GRCh37 (hg19) VCF-style: chr2-25141620-C-G.
Other names: c.237G>C, p.Leu79= (NM_001320613.2, NM_001377128.1, NM_001377129.1 and 2 more transcripts).
Identifiers: ClinVar variation 3029797 (VCV003029797.2), dbSNP rs747773620, ClinGen allele CA1554551.
Genomic context (GRCh38, chr2:24,918,751, plus strand): 5'-GACCACAGCACACATGACCACCACGTAGCAGTCAAAGAGGGCTGCAAAGACCACCAGCAC[C>G]AGCAGGGTCTCGTGGCGCTGCCTTTTGAAGTAGGTCTGGTAGAGGTTCTCCAAGGACTCC-3'
Protein context (NP_004027.2, residues 69-89): YFKRQRHETL[Leu79=]VLVVFAALFD

ClinVar aggregate classification (germline): Likely benign (0 of 4 stars; one submission).

Conditions:
ADCY3-related disorder. Also called: ADCY3-related condition.

Allele frequency attached by ClinVar (database versions not stated): ExAC 0.00003; gnomAD exomes 0.00003; TOPMed 0.00004; gnomAD 0.00007.
gnomAD v4.1: 53 of 1,613,964 alleles (0.0033%); highest among the groups gnomAD compares: Non-Finnish European, 0.00042%; no homozygotes.

Submission:

PreventionGenetics, part of Exact Sciences
Classification: Likely benign for ADCY3-related condition. Last evaluated: 2022-05-06. Review status: no assertion criteria provided. Collection method: clinical testing. Allele origin: germline.
Comment: This variant is classified as likely benign based on ACMG/AMP sequence variant interpretation guidelines (Richards et al. 2015 PMID: 25741868, with internal and published modifications).